The following is an entry in ClinVar:

NM_004484.4(GPC3):c.1166+3G>A

Gene: GPC3 (glypican 3; minus strand). Cytogenetic location: Xq26.2.
Variant type: single nucleotide variant.
Coding change: c.1166+3G>A on transcript NM_004484.4 (MANE Select); 3 bases into the intron after coding-DNA position 1166, G replaced by A.
Molecular consequence: intron variant.
Genome position (GRCh38, 1-based): chrX:133,699,892, C>T on the plus strand (G>A on the coding strand, the complement: GPC3 is on the minus strand). VCF-style: chrX-133699892-C-T. GRCh37 (hg19) VCF-style: chrX-132833920-C-T.
Other names: c.1004+3G>A (NM_001164619.2); c.1118+3G>A (NM_001164618.2); c.1235+3G>A (NM_001164617.2).
Identifiers: ClinVar variation 656962 (VCV000656962.7), dbSNP rs1603228263, ClinGen allele CA915952364.

ClinVar aggregate classification (germline): Uncertain significance (1 of 4 stars; one submission).

Conditions:
Wilms tumor 1 (WT1). Also called: Wilms tumor, somatic. Identifiers: Orphanet 654, MedGen CN033288, MONDO:0008679, OMIM 194070.

Submission:

Labcorp Genetics (formerly Invitae), Labcorp
Classification: Uncertain significance for Wilms tumor 1. Last evaluated: 2018-09-19. Review status: criteria provided, single submitter. Criteria: Invitae Variant Classification Sherloc (09022015). Collection method: clinical testing. Allele origin: germline.
Comment: In summary, the available evidence is currently insufficient to determine the role of this variant in disease. Therefore, it has been classified as a Variant of Uncertain Significance. Nucleotide substitutions within the consensus splice site are a relatively common cause of aberrant splicing (PMID: 17576681, 9536098). Algorithms developed to predict the effect of sequence changes on RNA splicing suggest that this variant is not likely to affect RNA splicing, but this prediction has not been confirmed by published transcriptional studies. This variant has not been reported in the literature in individuals with GPC3-related disease. This variant is not present in population databases (ExAC no frequency). This sequence change falls in intron 4 of the GPC3 gene. It does not directly change the encoded amino acid sequence of the GPC3 protein, but it affects a nucleotide within the consensus splice site of the intron.

Literature cited by the submitters: PubMed 17576681; PubMed 9536098.